The following is an entry in ClinVar:

NM_000350.3(ABCA4):c.4911C>T (p.Ala1637=)

Genes: ABCA4 (ATP binding cassette subfamily A member 4; minus strand), LOC126805793 (CDK7 strongly-dependent group 2 enhancer GRCh37_chr1:94486302-94487501; plus strand). Cytogenetic location: 1p22.1.
Variant type: single nucleotide variant.
Coding change: c.4911C>T on transcript NM_000350.3 (MANE Select); coding-DNA position 4911, C replaced by T.
Protein change: p.Ala1637=; no amino-acid change (alanine 1637 retained).
Molecular consequence: synonymous variant.
Genome position (GRCh38, 1-based): chr1:94,021,347, G>A on the plus strand (C>T on the coding strand, the complement: ABCA4 is on the minus strand). VCF-style: chr1-94021347-G-A. GRCh37 (hg19) VCF-style: chr1-94486903-G-A.
Other names: c.4689C>T, p.Ala1563= (NM_001425324.1).
Identifiers: ClinVar variation 720522 (VCV000720522.13), dbSNP rs201346949, ClinGen allele CA957431.

ClinVar aggregate classification (germline): Likely benign. Review status: criteria provided, multiple submitters, no conflicts (2 of 4 stars). 3 submissions from 3 submitters: Likely benign (3). Last evaluated 2024-12-20.

Conditions:
ABCA4-related disorder. Also called: ABCA4-related disorders; ABCA4-related condition. Identifiers: MedGen CN239167.

Allele frequency attached by ClinVar (database versions not stated): ExAC 0.00002; gnomAD exomes 0.00002; gnomAD 0.00007; ESP Exome Variant Server 0.00008; TOPMed 0.00009; 1000 Genomes Project 30x 0.00016; 1000 Genomes Project 0.00020.
gnomAD v4.1: 34 of 1,614,188 alleles (0.0021%); highest among the groups gnomAD compares: African/African-American, 0.039%; no homozygotes.

Submissions (3):

PreventionGenetics, part of Exact Sciences
Classification: Likely benign for ABCA4-related condition. Last evaluated: 2024-12-20. Review status: criteria provided, single submitter. Criteria: ACMG Guidelines, 2015. Collection method: clinical testing. Allele origin: germline.
Comment: This variant is classified as likely benign based on ACMG/AMP sequence variant interpretation guidelines (Richards et al. 2015 PMID: 25741868, with internal and published modifications).

Labcorp Genetics (formerly Invitae), Labcorp
Classification: Likely benign. Last evaluated: 2024-02-14. Review status: criteria provided, single submitter. Criteria: Invitae Variant Classification Sherloc (09022015). Collection method: clinical testing. Allele origin: germline.

Blueprint Genetics
Classification: Likely benign. Last evaluated: 2022-09-13. Review status: criteria provided, single submitter. Criteria: ACMG Guidelines, 2015. Collection method: clinical testing. Allele origin: germline.